The following is an entry in ClinVar:

NM_001195553.2(DCX):c.304C>G (p.Arg102Gly)

Gene: DCX (doublecortin; minus strand). Cytogenetic location: Xq23.
Variant type: single nucleotide variant.
Coding change: c.304C>G on transcript NM_001195553.2 (MANE Select); coding-DNA position 304, C replaced by G.
Protein change: p.Arg102Gly; replaces arginine 102 with glycine.
Molecular consequence: missense variant.
Genome position (GRCh38, 1-based): chrX:111,410,095, G>C on the plus strand (C>G on the coding strand, the complement: DCX is on the minus strand). VCF-style: chrX-111410095-G-C. GRCh37 (hg19) VCF-style: chrX-110653323-G-C.
Other names: c.547C>G, p.Arg183Gly (NM_000555.3); c.304C>G, p.Arg102Gly (NM_001369370.1, NM_001369371.1, NM_001369372.1 and 5 more transcripts); short protein forms R102G, R183G.
Identifiers: ClinVar variation 280251 (VCV000280251.2), dbSNP rs587783541, ClinGen allele CA10603581.

ClinVar aggregate classification (germline): Pathogenic (1 of 4 stars; one submission).

Submission:

GeneDx
Classification: Pathogenic. Last evaluated: 2016-01-22. Review status: criteria provided, single submitter. Criteria: GeneDx Variant Classification (06012015). Collection method: clinical testing. Allele origin: germline. Affected: yes.
Comment: The R102G variant has not been published as a pathogenic variant, nor has it been reported as abenign variant to our knowledge. It was not observed in approximately 6,500 individuals of Europeanand African American ancestry in the NHLBI Exome Sequencing Project, indicating it is not acommon benign variant in these populations. The R102G variant is a non-conservative amino acidsubstitution, which is likely to impact secondary protein structure as these residues differ in polarity,charge, size and/or other properties. This substitution occurs at a position that is conserved acrossspecies. Different missense variants in the same codon (R102S, R102C) as well as multiple missensevariants in nearby residues have been reported in the Human Gene Mutation Database in associationwith DCX-related disorders (Stenson et al., 2014), supporting the functional importance of this regionof the protein. In silico analysis predicts this variant is probably damaging to the proteinstructure/function.